The following is an entry in ClinVar:

NM_002184.4(IL6ST):c.293A>G (p.Asn98Ser)

Gene: IL6ST (interleukin 6 cytokine family signal transducer; minus strand). Cytogenetic location: 5q11.2.
Variant type: single nucleotide variant.
Coding change: c.293A>G on transcript NM_002184.4 (MANE Select); coding-DNA position 293, A replaced by G.
Protein change: p.Asn98Ser; replaces asparagine 98 with serine.
Molecular consequence: missense variant. On other transcripts: 5 prime UTR variant (3), non-coding transcript variant (2), intron variant (1).
Genome position (GRCh38, 1-based): chr5:55,969,627, T>C on the plus strand (A>G on the coding strand, the complement: IL6ST is on the minus strand). VCF-style: chr5-55969627-T-C. GRCh37 (hg19) VCF-style: chr5-55265455-T-C.
Other names: c.293A>G, p.Asn98Ser (NM_001190981.2, NM_001364275.2, NM_175767.3); c.-500A>G (NM_001364277.2, NM_001364279.2); c.-490A>G (NM_001364278.2); c.160+133A>G (NM_001364276.2); short protein forms N98S.
Identifiers: ClinVar variation 3685274 (VCV003685274.2).

ClinVar aggregate classification (germline): Uncertain significance (1 of 4 stars; one submission).

gnomAD v4.1: 3 of 1,612,168 alleles (0.00019%); highest among the groups gnomAD compares: South Asian, 0.0011%; no homozygotes.

Submission:

Labcorp Genetics (formerly Invitae), Labcorp
Classification: Uncertain significance. Last evaluated: 2024-08-16. Review status: criteria provided, single submitter. Criteria: Invitae Variant Classification Sherloc (09022015). Collection method: clinical testing. Allele origin: germline.
Comment: This sequence change replaces asparagine, which is neutral and polar, with serine, which is neutral and polar, at codon 98 of the IL6ST protein (p.Asn98Ser). This variant is not present in population databases (gnomAD no frequency). This variant has not been reported in the literature in individuals affected with IL6ST-related conditions. An algorithm developed to predict the effect of missense changes on protein structure and function outputs the following: PolyPhen-2: "Benign". The serine amino acid residue is found in multiple mammalian species, which suggests that this missense change does not adversely affect protein function. In summary, the available evidence is currently insufficient to determine the role of this variant in disease. Therefore, it has been classified as a Variant of Uncertain Significance.